The following is an entry in ClinVar:

NM_001365999.1(SZT2):c.8995C>T (p.Gln2999Ter)

Gene: SZT2 (SZT2 subunit of KICSTOR complex; plus strand). Cytogenetic location: 1p34.2.
Variant type: single nucleotide variant.
Coding change: c.8995C>T on transcript NM_001365999.1 (MANE Select); coding-DNA position 8995, C replaced by T.
Protein change: p.Gln2999Ter; replaces glutamine 2999 with a stop codon.
Molecular consequence: nonsense.
Genome position (GRCh38, 1-based): chr1:43,446,257, C>T. VCF-style: chr1-43446257-C-T. GRCh37 (hg19) VCF-style: chr1-43911928-C-T.
Other names: c.8824C>T, p.Gln2942Ter (NM_015284.4); short protein forms Q2999*, Q2942*.
Identifiers: ClinVar variation 640608 (VCV000640608.6), dbSNP rs1570733929, ClinGen allele CA340041893.

ClinVar aggregate classification (germline): Pathogenic (1 of 4 stars; one submission).

Submission:

Labcorp Genetics (formerly Invitae), Labcorp
Classification: Pathogenic. Last evaluated: 2018-07-12. Review status: criteria provided, single submitter. Criteria: Invitae Variant Classification Sherloc (09022015). Collection method: clinical testing. Allele origin: germline.
Comment: Loss-of-function variants in SZT2 are known to be pathogenic (PMID: 23932106, 27248490, 28556953). For these reasons, this variant has been classified as Pathogenic. This sequence change creates a premature translational stop signal (p.Gln2942*) in the SZT2 gene. It is expected to result in an absent or disrupted protein product. This variant is not present in population databases (ExAC no frequency). This variant has not been reported in the literature in individuals with SZT2-related disease.

Literature cited by the submitters: PubMed 23932106; PubMed 27248490; PubMed 28556953.